The following is an entry in ClinVar:

ClinVar aggregate classification (germline): Uncertain significance. Review status: criteria provided, multiple submitters, no conflicts (2 of 4 stars). 2 submissions from 2 submitters: Uncertain significance (2). Last evaluated 2019-10-03.

Conditions:
Cornelia de Lange syndrome 5 (CDLS5). Also called: HDAC8-Related Cornelia de Lange Syndrome. Identifiers: Orphanet 199, MedGen C3550903, MONDO:0010471, OMIM 300882.

Submissions (2):

Labcorp Genetics (formerly Invitae), Labcorp
Classification: Uncertain significance for Cornelia de Lange syndrome 5. Last evaluated: 2019-10-03. Review status: criteria provided, single submitter. Criteria: Invitae Variant Classification Sherloc (09022015). Collection method: clinical testing. Allele origin: germline.
Comment: This sequence change falls in intron 7 of the HDAC8 gene. It does not directly change the encoded amino acid sequence of the HDAC8 protein, but it affects a nucleotide within the consensus splice site of the intron. This variant is not present in population databases (ExAC no frequency). This variant has not been reported in the literature in individuals with HDAC8-related disease. Nucleotide substitutions within the consensus splice site are a relatively common cause of aberrant splicing (PMID: 17576681, 9536098). Algorithms developed to predict the effect of sequence changes on RNA splicing suggest that this variant may disrupt the consensus splice site, but this prediction has not been confirmed by published transcriptional studies. In summary, the available evidence is currently insufficient to determine the role of this variant in disease. Therefore, it has been classified as a Variant of Uncertain Significance.

Cytogénomique, Hospices Civils de Lyon
Classification: Uncertain significance for Cornelia de Lange syndrome 5. Last evaluated: 2018-02-28. Review status: criteria provided, single submitter. Criteria: ACMG Guidelines, 2015. Collection method: clinical testing. Allele origin: unknown. Inheritance: X-linked inheritance. Affected: yes.

Literature cited by the submitters: PubMed 17576681 (cited by Labcorp Genetics (formerly Invitae), Labcorp); PubMed 9536098 (cited by Labcorp Genetics (formerly Invitae), Labcorp).

NM_018486.3(HDAC8):c.737+3A>G

Gene: HDAC8 (histone deacetylase 8; minus strand). Cytogenetic location: Xq13.1.
Variant type: single nucleotide variant.
Coding change: c.737+3A>G on transcript NM_018486.3 (MANE Select); 3 bases into the intron after coding-DNA position 737, A replaced by G.
Molecular consequence: intron variant.
Genome position (GRCh38, 1-based): chrX:72,488,930, T>C on the plus strand (A>G on the coding strand, the complement: HDAC8 is on the minus strand). VCF-style: chrX-72488930-T-C. GRCh37 (hg19) VCF-style: chrX-71708780-T-C.
Other names: c.464+3A>G (NM_001166418.2); c.386+3A>G (NM_001166448.2); c.737+3A>G (NM_001166419.2).
Identifiers: ClinVar variation 572705 (VCV000572705.8), dbSNP rs1569338413, ClinGen allele CA891844316.